The following is an entry in ClinVar:

ClinVar aggregate classification (germline): Pathogenic. Review status: criteria provided, multiple submitters, no conflicts (2 of 4 stars). 9 submissions from 9 submitters: Pathogenic (6). 3 of the submissions do not count toward it. Last evaluated 2024-05-23.

Conditions:
SPG11-related disorder. Also called: SPG11-related condition.
Hereditary spastic paraplegia. Also called: Familial spastic paraparesis. Identifiers: Orphanet 685, MedGen C0037773, MONDO:0019064. Disease mechanism: loss of function.
Hereditary spastic paraplegia 11. Also called: Spastic Paraplegia 11; Nakamura Osame syndrome; Autosomal recessive hereditary spastic paraplegia, mental impairment, and thin corpus callosum; SPASTIC PARAPLEGIA, AUTOSOMAL RECESSIVE, COMPLICATED, WITH THIN CORPUS CALLOSUM; SPASTIC PARAPLEGIA, AUTOSOMAL RECESSIVE, WITH MENTAL IMPAIRMENT AND THIN CORPUS CALLOSUM; Spastic paraplegia, mental retardation and thin corpus callosum. Identifiers: Orphanet 2822, MedGen C1858479, MONDO:0011445, OMIM 604360.

Allele frequency attached by ClinVar (database versions not stated): gnomAD exomes below 0.00001.

Submissions (9):

Women's Health and Genetics/Laboratory Corporation of America, LabCorp
Classification: Pathogenic for Hereditary spastic paraplegia. Last evaluated: 2024-05-23. Review status: criteria provided, single submitter. Criteria: LabCorp Variant Classification Summary - May 2015. Collection method: clinical testing. Allele origin: germline.
Comment: Variant summary: SPG11 c.442+1G>C is located in a canonical splice-site and is predicted to affect mRNA splicing resulting in a significantly altered protein due to either exon skipping, shortening, or inclusion of intronic material. Several computational tools predict a significant impact on normal splicing: Four predict the variant abolishes a 5' splicing donor site. However, these predictions have yet to be confirmed by functional studies. The variant allele was found at a frequency of 4e-06 in 250866 control chromosomes. c.442+1G>C has been reported in the literature in individuals affected with Hereditary Spastic Paraplegia, Type 11 (Salinas_2020, Hehr_2007). These data indicate that the variant is likely to be associated with disease. To our knowledge, no experimental evidence demonstrating an impact on protein function has been reported. The following publications have been ascertained in the context of this evaluation (PMID: 18067136, 33084218). ClinVar contains an entry for this variant (Variation ID: 1114). Based on the evidence outlined above, the variant was classified as pathogenic.

Labcorp Genetics (formerly Invitae), Labcorp
Classification: Pathogenic for Hereditary spastic paraplegia 11. Last evaluated: 2024-04-22. Review status: criteria provided, single submitter. Criteria: Invitae Variant Classification Sherloc (09022015). Collection method: clinical testing. Allele origin: germline.
Comment: This sequence change affects a donor splice site in intron 2 of the SPG11 gene. It is expected to disrupt RNA splicing. Variants that disrupt the donor or acceptor splice site typically lead to a loss of protein function (PMID: 16199547), and loss-of-function variants in SPG11 are known to be pathogenic (PMID: 19105190, 20110243, 22154821, 26556829). This variant is present in population databases (rs312262715, gnomAD 0.0009%). Disruption of this splice site has been observed in individuals with hereditary spastic paraplegia (PMID: 18067136, 20390432, 23733235, 33084218). ClinVar contains an entry for this variant (Variation ID: 1114). Algorithms developed to predict the effect of sequence changes on RNA splicing suggest that this variant may disrupt the consensus splice site. For these reasons, this variant has been classified as Pathogenic.

3billion
Classification: Pathogenic for Hereditary spastic paraplegia 11. Last evaluated: 2022-01-03. Review status: criteria provided, single submitter. Criteria: ACMG Guidelines, 2015. Collection method: clinical testing. Allele origin: germline. Affected: yes. Observed: 1 heterozygote.
Comment: Canonical splice site: predicted to alter splicing and result in a loss or disruption of normal protein function through protein truncation. Multiple pathogenic variants are reported in the predicted truncated region (PVS1_VS).The variant has been reported at least twice as pathogenic/likely pathogenic with clinical assertions and evidence for the classification (ClinVar ID: VCV000001114).It is observed at an extremely low frequency in the gnomAD v2.1.1 dataset (total allele frequency: 0.000004, PM2_M). The variant has been reported to be in trans with a pathogenic variant as either compound heterozygous or homozygous in at least one similarly affected unrelated individual (3billion dataset, PM3_M). Therefore, this variant is classified as pathogenic according to the recommendation of ACMG/AMP guideline.

CeGaT Center for Human Genetics Tuebingen
Classification: Pathogenic. Last evaluated: 2020-08-01. Review status: criteria provided, single submitter. Criteria: CeGaT Center For Human Genetics Tuebingen Variant Classification Criteria Version 2. Collection method: clinical testing. Allele origin: germline. Affected: yes. Observed: 4 variant alleles.

Blueprint Genetics
Classification: Pathogenic for SPG11-related disorders. Last evaluated: 2020-02-26. Review status: criteria provided, single submitter. Criteria: ACMG Guidelines, 2015. Collection method: clinical testing. Allele origin: germline. Affected: yes. Observed: 1 variant allele.

Genome-Nilou Lab
Classification: Pathogenic for Hereditary spastic paraplegia 11. Review status: criteria provided, single submitter. Criteria: ACMG Guidelines, 2015. Collection method: clinical testing. Allele origin: germline.

Razi Pathobiology & Medical Genetics
Classification: Pathogenic for Hereditary spastic paraplegia 11. Last evaluated: 2023-12-27. Review status: no assertion criteria provided. Collection method: clinical testing. Allele origin: germline. Inheritance: Autosomal recessive inheritance. Affected: yes. Observed: 1 homozygote. Not counted in ClinVar's aggregate classification.

OMIM
Classification: Pathogenic for SPASTIC PARAPLEGIA 11, AUTOSOMAL RECESSIVE. Last evaluated: 2007-12-01. Review status: no assertion criteria provided. Collection method: literature only. Allele origin: germline. Not counted in ClinVar's aggregate classification.

GeneReviews
No classification provided. Condition: Hereditary spastic paraplegia 11. Review status: no classification provided. Collection method: literature only. Allele origin: unknown. Not counted in ClinVar's aggregate classification.

Literature cited by the submitters: PubMed 18067136 (cited by 4 submitters); PubMed 33084218 (cited by Women's Health and Genetics/Laboratory Corporation of America, LabCorp and Labcorp Genetics (formerly Invitae), Labcorp); PubMed 16199547 (cited by Labcorp Genetics (formerly Invitae), Labcorp); PubMed 19105190 (cited by Labcorp Genetics (formerly Invitae), Labcorp); PubMed 20110243 (cited by Labcorp Genetics (formerly Invitae), Labcorp); PubMed 22154821 (cited by Labcorp Genetics (formerly Invitae), Labcorp); PubMed 26556829 (cited by Labcorp Genetics (formerly Invitae), Labcorp); PubMed 20390432 (cited by Labcorp Genetics (formerly Invitae), Labcorp); PubMed 23733235 (cited by Labcorp Genetics (formerly Invitae), Labcorp); PubMed 16773502 (cited by OMIM); PubMed 20301389 (cited by GeneReviews); NCBI Bookshelf NBK1210 (cited by GeneReviews).

NM_025137.4(SPG11):c.442+1G>C

Gene: SPG11 (SPG11 vesicle trafficking associated, spatacsin; minus strand). Cytogenetic location: 15q21.1.
Variant type: single nucleotide variant.
Coding change: c.442+1G>C on transcript NM_025137.4 (MANE Select); the canonical splice donor site of the intron after coding-DNA position 442, G replaced by C.
Molecular consequence: splice donor variant.
Genome position (GRCh38, 1-based): chr15:44,660,431, C>G on the plus strand (G>C on the coding strand, the complement: SPG11 is on the minus strand). VCF-style: chr15-44660431-C-G. GRCh37 (hg19) VCF-style: chr15-44952629-C-G.
Other names: IVS2DS, G-C, +1; c.442+1G>C (NM_001411132.1, NM_001160227.2).
Identifiers: ClinVar variation 1114 (VCV000001114.57), dbSNP rs312262715, ClinGen allele CA339868.